The following is an entry in ClinVar:

NM_001042492.3(NF1):c.1900A>G (p.Ile634Val)

Gene: NF1 (neurofibromin 1; plus strand). Cytogenetic location: 17q11.2.
Variant type: single nucleotide variant.
Coding change: c.1900A>G on transcript NM_001042492.3 (MANE Select); coding-DNA position 1900, A replaced by G.
Protein change: p.Ile634Val; replaces isoleucine 634 with valine.
Molecular consequence: missense variant.
Genome position (GRCh38, 1-based): chr17:31,225,149, A>G. VCF-style: chr17-31225149-A-G. GRCh37 (hg19) VCF-style: chr17-29552167-A-G.
Other names: c.1900A>G, p.Ile634Val (NM_000267.4); short protein forms I634V.
Identifiers: ClinVar variation 404567 (VCV000404567.21), dbSNP rs745906742, ClinGen allele CA8485879.

ClinVar aggregate classification (germline): Conflicting classifications of pathogenicity. Review status: criteria provided, conflicting classifications (1 of 4 stars). 5 submissions from 5 submitters: Uncertain significance (2); Benign (2); Likely benign (1). Last evaluated 2025-11-18.

Conditions:
Hereditary cancer-predisposing syndrome. Also called: Tumor predisposition; Neoplastic Syndromes, Hereditary; Hereditary Cancer Syndrome; Hereditary neoplastic syndrome. Identifiers: Orphanet 140162, MedGen C0027672, MeSH D009386, MONDO:0015356.
Cardiovascular phenotype. Identifiers: MedGen CN230736.
Neurofibromatosis, type 1 (NF1). Also called: Neurofibromatosis, type I; NEUROFIBROMATOSIS, TYPE I, SOMATIC; Peripheral type neurofibromatosis; VON RECKLINGHAUSEN DISEASE. Identifiers: Orphanet 636, MedGen C0027831, MONDO:0018975, OMIM 162200. Disease mechanism: loss of function.

Allele frequency attached by ClinVar (database versions not stated): gnomAD 0.00001; gnomAD exomes 0.00001 and 0.00002; ExAC 0.00003.
gnomAD v4.1: 12 of 1,613,616 alleles (0.00074%); highest among the groups gnomAD compares: Admixed American, 0.0017%; no homozygotes.

Submissions (5):

Labcorp Genetics (formerly Invitae), Labcorp
Classification: Benign for Neurofibromatosis, type 1. Last evaluated: 2025-11-18. Review status: criteria provided, single submitter. Criteria: Invitae Variant Classification Sherloc (09022015). Collection method: clinical testing. Allele origin: germline.

Women's Health and Genetics/Laboratory Corporation of America, LabCorp
Classification: Uncertain significance. Last evaluated: 2023-02-09. Review status: criteria provided, single submitter. Criteria: LabCorp Variant Classification Summary - May 2015. Collection method: clinical testing. Allele origin: germline.
Comment: Variant summary: NF1 c.1900A>G (p.Ile634Val) results in a conservative amino acid change in the encoded protein sequence. Five of five in-silico tools predict a benign effect of the variant on protein function. The variant allele was found at a frequency of 2.4e-05 in 251238 control chromosomes. The available data on variant occurrences in the general population are insufficient to allow any conclusion about variant significance. c.1900A>G has been reported in the literature in at least one individual affected with hereditary breast and ovarian cancer without strong evidence for causality (e.g., Krivokuca_2022). This report does not allow any conclusion about association of the variant with disease. To our knowledge, no experimental evidence demonstrating an impact on protein function has been reported. Four ClinVar submitters (evaluation after 2014) have reported the variant with conflicting assessments (VUS, n=2; likely benign, n=1; benign, n=1). Based on the evidence outlined above, the variant was classified as uncertain significance.

GeneDx
Classification: Uncertain significance. Last evaluated: 2022-11-17. Review status: criteria provided, single submitter. Criteria: GeneDx Variant Classification Process June 2021. Collection method: clinical testing. Allele origin: germline. Affected: yes.
Comment: In silico analysis supports that this missense variant does not alter protein structure/function; Has not been previously published as pathogenic or benign to our knowledge; This variant is associated with the following publications: (PMID: 25486365)

Centre for Mendelian Genomics, University Medical Centre Ljubljana
Classification: Benign for Neurofibromatosis, type 1. Last evaluated: 2018-11-07. Review status: criteria provided, single submitter. Criteria: ACMG Guidelines, 2015. Collection method: clinical testing. Allele origin: unknown. Affected: yes.
Comment: This variant was classified as: Benign. The following ACMG criteria were applied in classifying this variant: BS1,BS2.

Ambry Genetics
Classification: Likely benign for Cardiovascular phenotype; Hereditary cancer-predisposing syndrome. Last evaluated: 2018-08-27. Review status: criteria provided, single submitter. Criteria: Ambry Variant Classification Scheme 2023. Collection method: clinical testing. Allele origin: germline.

Literature cited by the submitters: PubMed 34284872 (cited by Women's Health and Genetics/Laboratory Corporation of America, LabCorp).